The following is an entry in ClinVar:

NM_001009944.3(PKD1):c.2930T>A (p.Phe977Tyr)

Gene: PKD1 (polycystin 1, transient receptor potential channel interacting; minus strand). Cytogenetic location: 16p13.3.
Variant type: single nucleotide variant.
Coding change: c.2930T>A on transcript NM_001009944.3 (MANE Select); coding-DNA position 2930, T replaced by A.
Protein change: p.Phe977Tyr; replaces phenylalanine 977 with tyrosine.
Molecular consequence: missense variant.
Genome position (GRCh38, 1-based): chr16:2,113,216, A>T on the plus strand (T>A on the coding strand, the complement: PKD1 is on the minus strand). VCF-style: chr16-2113216-A-T. GRCh37 (hg19) VCF-style: chr16-2163217-A-T.
Other names: c.2930T>A, p.Phe977Tyr (NM_000296.4); short protein forms F977Y.
Identifiers: ClinVar variation 811952 (VCV000811952.8), dbSNP rs1596570459, ClinGen allele CA394385573.
Genomic context (GRCh38, chr16:2,113,216, plus strand): 5'-CCTACTGAGAGCTTGAAGACCGCCGCGCTCTGATAAATGACATTGAAGACCACGTTCTGG[A>T]AGGTCAGGGACTGCTTGTCGTTGATGGTCCACCGGAAGACCATGTCCGAGCCGGCCTCCA-3'
Protein context (NP_001009944.3, residues 967-987): WTINDKQSLT[Phe977Tyr]QNVVFNVIYQ

ClinVar aggregate classification (germline): Uncertain significance (1 of 4 stars; one submission).

Conditions:
Polycystic kidney disease, adult type (PKD1). Also called: POLYCYSTIC KIDNEY DISEASE 1 WITH OR WITHOUT POLYCYSTIC LIVER DISEASE; POLYCYSTIC KIDNEY DISEASE, ADULT, TYPE I; Polycystic Kidney, Autosomal Dominant; Polycystic Kidney Disease 1, Autosomal Dominant; Polycystic kidney disease 1; Polycystic kidney disease 1, severe. Identifiers: MedGen C3149841, MONDO:0008263, OMIM 173900.

Submission:

ARUP Laboratories, Molecular Genetics and Genomics, ARUP Laboratories
Classification: Uncertain significance for Polycystic kidney disease, adult type. Last evaluated: 2019-03-22. Review status: criteria provided, single submitter. Criteria: ARUP Molecular Germline Variant Investigation Process. Collection method: clinical testing. Allele origin: germline.
Comment: The PKD1 c.2930T>A; p.Phe977Tyr variant, to our knowledge, is not reported in the medical literature or gene-specific databases. This variant is also absent from general population databases (Exome Variant Server, Genome Aggregation Database), indicating it is not a common polymorphism. The phenylalanine at codon 977 is highly conserved, but computational analyses (SIFT, PolyPhen-2) predict that this variant is tolerated. Given the lack of clinical and functional data, the significance of the p.Phe977Tyr variant is uncertain at this time.